The following is an entry in ClinVar:

ClinVar aggregate classification (germline): Uncertain significance (1 of 4 stars; one submission).

Allele frequency attached by ClinVar (database versions not stated): gnomAD exomes below 0.00001; TOPMed 0.00001.
gnomAD v4.1: 4 of 1,613,672 alleles (0.00025%); highest among the groups gnomAD compares: Non-Finnish European, 0.00034%; no homozygotes.

Submission:

Labcorp Genetics (formerly Invitae), Labcorp
Classification: Uncertain significance. Last evaluated: 2021-11-16. Review status: criteria provided, single submitter. Criteria: Invitae Variant Classification Sherloc (09022015). Collection method: clinical testing. Allele origin: germline.
Comment: In summary, the available evidence is currently insufficient to determine the role of this variant in disease. Therefore, it has been classified as a Variant of Uncertain Significance. Advanced modeling of protein sequence and biophysical properties (such as structural, functional, and spatial information, amino acid conservation, physicochemical variation, residue mobility, and thermodynamic stability) performed at Invitae indicates that this missense variant is not expected to disrupt TLK2 protein function. This variant has not been reported in the literature in individuals affected with TLK2-related conditions. This variant is present in population databases (rs755635800, gnomAD 0.0009%). This sequence change replaces proline, which is neutral and non-polar, with leucine, which is neutral and non-polar, at codon 112 of the TLK2 protein (p.Pro112Leu).

NM_006852.6(TLK2):c.335C>T (p.Pro112Leu)

Gene: TLK2 (tousled like kinase 2; plus strand). Cytogenetic location: 17q23.2.
Variant type: single nucleotide variant.
Coding change: c.335C>T on transcript NM_006852.6 (MANE Select); coding-DNA position 335, C replaced by T.
Protein change: p.Pro112Leu; replaces proline 112 with leucine.
Molecular consequence: missense variant. On other transcripts: intron variant (5).
Genome position (GRCh38, 1-based): chr17:62,524,303, C>T. VCF-style: chr17-62524303-C-T. GRCh37 (hg19) VCF-style: chr17-60601664-C-T.
Other names: c.335C>T, p.Pro112Leu (NM_001284333.3, NM_001375270.1, NM_001375271.1); c.-85+1126C>T (NM_001375273.1, NM_001330418.3); c.267+1126C>T (NM_001375272.1, NM_001284363.1); c.405+1126C>T (NM_001375269.1); short protein forms P112L.
Identifiers: ClinVar variation 1352011 (VCV001352011.6), dbSNP rs755635800, ClinGen allele CA8694662.